The following is an entry in ClinVar:

ClinVar aggregate classification (germline): Likely benign. Review status: reviewed by expert panel (3 of 4 stars). 9 submissions from 9 submitters: Likely benign (1). 8 of the submissions do not count toward it. Last evaluated 2023-08-18.

Conditions:
Hereditary cancer-predisposing syndrome. Also called: Hereditary Cancer Syndrome; Neoplastic Syndromes, Hereditary; Tumor predisposition; Hereditary neoplastic syndrome. Identifiers: Orphanet 140162, MedGen C0027672, MeSH D009386, MONDO:0015356.
CDH1-related disorder. Also called: CDH1-related condition.
CDH1-related diffuse gastric and lobular breast cancer syndrome. Also called: CDH1-related diffuse gastric and lobular breast cancer. Identifiers: MedGen CN311521, MONDO:0100488.
Hereditary diffuse gastric adenocarcinoma (HDGC). Also called: DIFFUSE GASTRIC AND LOBULAR BREAST CANCER SYNDROME. Identifiers: Orphanet 26106, MedGen C1708349, MONDO:0007648, OMIM 137215.

Allele frequency attached by ClinVar (database versions not stated): gnomAD exomes below 0.00001; TOPMed below 0.00001.
gnomAD v4.1: 5 of 1,551,096 alleles (0.00032%); highest among the groups gnomAD compares: Non-Finnish European, 0.00044%; no homozygotes.

Submissions (9):

Clingen Gastric Cancer Variant Curation Expert Panel
Classification: Likely benign for CDH1-related diffuse gastric and lobular breast cancer syndrome. Last evaluated: 2023-08-18. Review status: reviewed by expert panel. Criteria: ClinGen CDH1 ACMG Specifications V3.1. Collection method: curation. Allele origin: germline. Inheritance: Autosomal dominant inheritance.
Comment: The c.69G>A (p.Glu23=) variant is absent from the gnomAD cohort (PM2_Supporting). In silico splice site predictors do not suggest that this variant impacts splicing, and the G allele is not highly conserved across species (BP7).The variant has also been observed in >3 individuals without a diagnosis of diffuse gastric cancer, signet ring tumor or lobular breast cancer and whose family histories do not suggest HDGC (BS2_Supporting; SCV000216307.4, SCV000545385.4, internal laboratory). Use of the Bayesian point system for this variant with conflicting evidence and classify this variant as likely benign. In summary, this variant meets criteria to be classified as likely benign based on ACMG/AMP criteria applied as specified by the CDH1 Variant Curation Expert Panel (Variant Interpretation Guidelines Version 3.1): PM2_Supporting, BP7, BS2_Supporting.

Labcorp Genetics (formerly Invitae), Labcorp
Classification: Likely benign for Hereditary diffuse gastric adenocarcinoma. Last evaluated: 2026-01-18. Review status: criteria provided, single submitter. Criteria: Invitae Variant Classification Sherloc (09022015). Collection method: clinical testing. Allele origin: germline. Not counted in ClinVar's aggregate classification.

Myriad Genetics, Inc.
Classification: Benign for Hereditary diffuse gastric adenocarcinoma. Last evaluated: 2024-09-11. Review status: criteria provided, single submitter. Criteria: Myriad Autosomal Dominant, Autosomal Recessive and X-Linked Classification Criteria (2023). Collection method: clinical testing. Allele origin: unknown. Not counted in ClinVar's aggregate classification.
Comment: This variant is considered benign. This variant is a silent/synonymous amino acid change and it is not expected to impact splicing.

Women's Health and Genetics/Laboratory Corporation of America, LabCorp
Classification: Likely benign. Last evaluated: 2023-10-21. Review status: criteria provided, single submitter. Criteria: LabCorp Variant Classification Summary - May 2015. Collection method: clinical testing. Allele origin: germline. Not counted in ClinVar's aggregate classification.

European Reference Network on Genetic Tumour Risk Syndromes (ERN-GENTURIS), i3s - Instituto de Investigação e Inovação em Saúde, University of Porto
Classification: Likely benign for Hereditary diffuse gastric adenocarcinoma. Last evaluated: 2022-08-01. Review status: criteria provided, single submitter. Criteria: Lee et al. (Hum Mutat. 2018). Collection method: clinical testing. Allele origin: germline. Inheritance: Autosomal dominant inheritance. Affected: yes. Study: ERN GENTURIS. Not counted in ClinVar's aggregate classification.
Comment: PM2; BS2_Supporting; BP7 (PMID: 30311375)

Color Diagnostics, LLC DBA Color Health
Classification: Likely benign for Hereditary cancer-predisposing syndrome. Last evaluated: 2017-01-10. Review status: criteria provided, single submitter. Criteria: ACMG Guidelines, 2015. Collection method: clinical testing. Allele origin: germline. Not counted in ClinVar's aggregate classification.

Ambry Genetics
Classification: Likely benign for Hereditary cancer-predisposing syndrome. Last evaluated: 2014-08-14. Review status: criteria provided, single submitter. Criteria: Ambry Variant Classification Scheme 2023. Collection method: clinical testing. Allele origin: germline. Not counted in ClinVar's aggregate classification.

PreventionGenetics, part of Exact Sciences
Classification: Likely benign for CDH1-related condition. Last evaluated: 2024-08-29. Review status: no assertion criteria provided. Collection method: clinical testing. Allele origin: germline. Not counted in ClinVar's aggregate classification.
Comment: This variant is classified as likely benign based on ACMG/AMP sequence variant interpretation guidelines (Richards et al. 2015 PMID: 25741868, with internal and published modifications).

Department of Pathology and Laboratory Medicine, Sinai Health System
Classification: Uncertain significance. Review status: no assertion criteria provided. Collection method: clinical testing. Allele origin: unknown. Affected: yes. Study: The Canadian Open Genetics Repository (COGR). Not counted in ClinVar's aggregate classification.
Comment: The CDH1 p.Gln23= variant was identified in 1 of 808 proband chromosomes (frequency: 0.001) from individuals with a neurodevelopmental disorder (Kraemer 2019). The variant was identified in dbSNP (rs786202657) as â€šÃ„Ãºwith uncertain significance alleleâ€šÃ„Ã¹ and ClinVar (classified as likely benign by Color and Ambry Genetics and uncertain significance by Invitae). The variant was not identified in the following control databases: the Exome Aggregation Consortium (August 8th 2016), or the Genome Aggregation Database (Feb 27, 2017). The p.Gln23= variant is not expected to have clinical significance because it does not result in a change of amino acid and is not located in a known consensus splice site. The variant occurs at a non-highly conserved nucleotide outside of the splicing consensus sequence and 4 of 4 in silico or computational prediction software programs (SpliceSiteFinder, MaxEntScan, NNSPLICE, GeneSplicer) predict a greater than 10% difference in splicing. However, this information is not predictive enough to assume pathogenicity. In summary, based on the above information the clinical significance of this variant cannot be determined with certainty at this time. This variant is classified as a variant of uncertain significance.

Literature cited by the submitters: PubMed 36436516 (cited by European Reference Network on Genetic Tumour Risk Syndromes (ERN-GENTURIS), i3s - Instituto de Investigação e Inovação em Saúde, University of Porto).

NM_004360.5(CDH1):c.69G>A (p.Gln23=)

Gene: CDH1 (cadherin 1; plus strand). Cytogenetic location: 16q22.1.
Variant type: single nucleotide variant.
Coding change: c.69G>A on transcript NM_004360.5 (MANE Select); coding-DNA position 69, G replaced by A.
Protein change: p.Gln23=; no amino-acid change (glutamine 23 retained).
Molecular consequence: synonymous variant. On other transcripts: 5 prime UTR variant (2).
Genome position (GRCh38, 1-based): chr16:68,738,317, G>A. VCF-style: chr16-68738317-G-A. GRCh37 (hg19) VCF-style: chr16-68772220-G-A.
Other names: c.69G>A, p.Gln23= (NM_001317184.2); c.-1547G>A (NM_001317185.2); c.-1751G>A (NM_001317186.2); c.69G>A (LRG_301t1).
Identifiers: ClinVar variation 186050 (VCV000186050.27), dbSNP rs786202657, ClinGen allele CA193735.